The following is an entry in ClinVar:

ClinVar aggregate classification (germline): Benign (0 of 4 stars; one submission).

Conditions:
EIF4E-related disorder. Also called: EIF4E-related condition.

Allele frequency attached by ClinVar (database versions not stated): 1000 Genomes Project 0.10942; 1000 Genomes Project 30x 0.11118; TOPMed 0.18070; gnomAD 0.18960; ExAC 0.20648; ESP Exome Variant Server 0.20775; gnomAD exomes 0.25037.
gnomAD v4.1: 393,858 of 1,613,126 alleles (24%); highest among the groups gnomAD compares: Non-Finnish European, 28%; 52,678 homozygotes.

Submission:

PreventionGenetics, part of Exact Sciences
Classification: Benign for EIF4E-related condition. Last evaluated: 2019-10-17. Review status: no assertion criteria provided. Collection method: clinical testing. Allele origin: germline.
Comment: This variant is classified as benign based on ACMG/AMP sequence variant interpretation guidelines (Richards et al. 2015 PMID: 25741868, with internal and published modifications).

NM_001968.5(EIF4E):c.375C>T (p.Asp125=)

Gene: EIF4E (eukaryotic translation initiation factor 4E; minus strand). Cytogenetic location: 4q23.
Variant type: single nucleotide variant.
Coding change: c.375C>T on transcript NM_001968.5 (MANE Select); coding-DNA position 375, C replaced by T.
Protein change: p.Asp125=; no amino-acid change (aspartic acid 125 retained).
Molecular consequence: synonymous variant.
Genome position (GRCh38, 1-based): chr4:98,887,103, G>A on the plus strand (C>T on the coding strand, the complement: EIF4E is on the minus strand). VCF-style: chr4-98887103-G-A. GRCh37 (hg19) VCF-style: chr4-99808254-G-A.
Other names: c.435C>T, p.Asp145= (NM_001130678.4); c.375C>T, p.Asp125= (NM_001130679.3); c.459C>T, p.Asp153= (NM_001331017.2).
Identifiers: ClinVar variation 3059002 (VCV003059002.2), dbSNP rs62323192, ClinGen allele CA3017781.